The following is an entry in ClinVar:

ClinVar aggregate classification (germline): Uncertain significance (1 of 4 stars; one submission).

Conditions:
Autosomal recessive severe congenital neutropenia due to JAGN1 deficiency. Also called: Severe congenital neutropenia 6, autosomal recessive. Identifiers: Orphanet 423384, MedGen C4014954, MONDO:0014456, OMIM 616022.

Allele frequency attached by ClinVar (database versions not stated): ExAC 0.00002; gnomAD 0.00003 and 0.00004; TOPMed 0.00003; gnomAD exomes 0.00005 and 0.00007.

Submission:

Labcorp Genetics (formerly Invitae), Labcorp
Classification: Uncertain significance for Autosomal recessive severe congenital neutropenia due to JAGN1 deficiency. Last evaluated: 2022-03-15. Review status: criteria provided, single submitter. Criteria: Invitae Variant Classification Sherloc (09022015). Collection method: clinical testing. Allele origin: germline.
Comment: This sequence change replaces valine, which is neutral and non-polar, with isoleucine, which is neutral and non-polar, at codon 145 of the JAGN1 protein (p.Val145Ile). This variant is present in population databases (rs759636820, gnomAD 0.007%). This variant has not been reported in the literature in individuals affected with JAGN1-related conditions. ClinVar contains an entry for this variant (Variation ID: 649445). Algorithms developed to predict the effect of missense changes on protein structure and function (SIFT, PolyPhen-2, Align-GVGD) all suggest that this variant is likely to be tolerated. In summary, the available evidence is currently insufficient to determine the role of this variant in disease. Therefore, it has been classified as a Variant of Uncertain Significance.

NM_032492.4(JAGN1):c.433G>A (p.Val145Ile)

Gene: JAGN1 (jagunal homolog 1; plus strand). Cytogenetic location: 3p25.3.
Variant type: single nucleotide variant.
Coding change: c.433G>A on transcript NM_032492.4 (MANE Select); coding-DNA position 433, G replaced by A.
Protein change: p.Val145Ile; replaces valine 145 with isoleucine.
Molecular consequence: missense variant.
Genome position (GRCh38, 1-based): chr3:9,893,258, G>A. VCF-style: chr3-9893258-G-A. GRCh37 (hg19) VCF-style: chr3-9934942-G-A.
Other names: c.433G>A, p.Val145Ile (LRG_1228t1); c.271G>A, p.Val91Ile (NM_001363890.1); short protein forms V91I, V145I.
Identifiers: ClinVar variation 649445 (VCV000649445.5), dbSNP rs759636820, ClinGen allele CA2245894.
Genomic context (GRCh38, chr3:9,893,258, plus strand): 5'-GCTGCACAGCAGCTCTACCGCCATGGCAAGGCCTACCGTTTCCTCTTTGGTTTTTCTGCC[G>A]TTTCCATCATGTACCTGGTGTTGGTGTTGGCAGTGCAAGTGCATGCCTGGCAGTTGTACT-3'
Protein context (NP_115881.3, residues 135-155): AYRFLFGFSA[Val145Ile]SIMYLVLVLA